The following is an entry in ClinVar:

NM_014244.5(ADAMTS2):c.1320_1321insTATAAGAGACAGT (p.Ala441fs)

Gene: ADAMTS2 (ADAM metallopeptidase with thrombospondin type 1 motif 2; minus strand). Cytogenetic location: 5q35.3.
Variant type: Insertion.
Coding change: c.1320_1321insTATAAGAGACAGT on transcript NM_014244.5 (MANE Select); coding-DNA positions 1320 to 1321, TATAAGAGACAGT inserted.
Protein change: p.Ala441fs; shifts the reading frame from alanine 441.
Molecular consequence: frameshift variant.
Genome position: GRCh38 VCF-style: chr5-179154110-C-CACTGTCTCTTATA. GRCh37 (hg19) VCF-style: chr5-178581111-C-CACTGTCTCTTATA.
Other names: c.1320_1321insTATAAGAGACAGT, p.Ala441fs (NM_021599.4); short protein forms A441fs.
Identifiers: ClinVar variation 1726470 (VCV001726470.2), dbSNP rs2480242710, ClinGen allele CA2580074100.

ClinVar aggregate classification (germline): Likely pathogenic (1 of 4 stars; one submission).

Conditions:
Ehlers-Danlos syndrome, dermatosparaxis type. Also called: Dermatosparaxis; EDS VIIC; Ehlers-Danlos syndrome, type VII, autosomal recessive. Identifiers: Orphanet 1901, MedGen C2700425, MONDO:0009161, OMIM 225410.

Submission:

Myriad Genetics, Inc.
Classification: Likely pathogenic for Ehlers-Danlos syndrome, dermatosparaxis type. Last evaluated: 2021-12-17. Review status: criteria provided, single submitter. Criteria: Myriad Women's Health Autosomal Recessive and X-Linked Classification Criteria (2021). Collection method: clinical testing. Allele origin: unknown.
Comment: NM_014244.4(ADAMTS2):c.1320_1321ins13(A441Yfs*28) is expected to be pathogenic in the context of Ehlers-Danlos syndrome type VIIC. This variant is predicted to lead to an abnormal or absent protein product due to the creation of a premature termination codon in ADAMTS2, a gene where loss-of-function variants are known to be pathogenic. Please note: this variant was assessed in the context of healthy population screening.